The following is an entry in ClinVar:

NM_000179.3(MSH6):c.2595C>T (p.Phe865=)

Gene: MSH6 (mutS homolog 6; plus strand). Cytogenetic location: 2p16.3.
Variant type: single nucleotide variant.
Coding change: c.2595C>T on transcript NM_000179.3 (MANE Select); coding-DNA position 2595, C replaced by T.
Protein change: p.Phe865=; no amino-acid change (phenylalanine 865 retained).
Molecular consequence: synonymous variant. On other transcripts: non-coding transcript variant (5), intron variant (3).
Genome position (GRCh38, 1-based): chr2:47,800,578, C>T. VCF-style: chr2-47800578-C-T. GRCh37 (hg19) VCF-style: chr2-48027717-C-T.
Other names: c.2205C>T, p.Phe735= (NM_001281492.2); c.1689C>T, p.Phe563= (NM_001281493.2, NM_001281494.2, NM_001406811.1 and 6 more transcripts); c.2691C>T, p.Phe897= (NM_001406795.1, NM_001406802.1); c.2595C>T, p.Phe865= (NM_001406796.1, NM_001406798.1, NM_001406800.1 and 2 more transcripts); c.2298C>T, p.Phe766= (NM_001406797.1, NM_001406801.1, NM_001406805.1 and 10 more transcripts); c.2070C>T, p.Phe690= (NM_001406799.1, NM_001406806.1, NM_001406807.1); c.2517C>T, p.Phe839= (NM_001406804.1); c.2601C>T, p.Phe867= (NM_001406813.1); and 4 more.
Identifiers: ClinVar variation 2163404 (VCV002163404.7), dbSNP rs757202837, ClinGen allele CA426121659.

ClinVar aggregate classification (germline): Benign/Likely benign. Review status: criteria provided, multiple submitters, no conflicts (2 of 4 stars). 3 submissions from 3 submitters: Benign (1); Likely benign (2). Last evaluated 2024-12-31.

Conditions:
Hereditary nonpolyposis colorectal neoplasms. Identifiers: MedGen C0009405, MeSH D003123.
Hereditary cancer-predisposing syndrome. Also called: Hereditary Cancer Syndrome; Neoplastic Syndromes, Hereditary; Tumor predisposition; Hereditary neoplastic syndrome. Identifiers: Orphanet 140162, MedGen C0027672, MeSH D009386, MONDO:0015356.
Lynch syndrome 5 (LYNCH5). Also called: Colorectal cancer, hereditary nonpolyposis, type 5; Hereditary non-polyposis colorectal cancer, type 5. Identifiers: Orphanet 144, MedGen C1833477, MONDO:0013710, OMIM 614350. Disease mechanism: loss of function.

gnomAD v4.1: 1 of 1,613,940 alleles (0.000062%); highest among the groups gnomAD compares: Non-Finnish European, 0.000085%; no homozygotes.

Submissions (3):

Myriad Genetics, Inc.
Classification: Benign for Lynch syndrome 5. Last evaluated: 2024-12-31. Review status: criteria provided, single submitter. Criteria: Myriad Autosomal Dominant, Autosomal Recessive and X-Linked Classification Criteria (2023). Collection method: clinical testing. Allele origin: unknown.
Comment: This variant is considered benign. This variant is a silent/synonymous amino acid change and it is not expected to impact splicing.

Labcorp Genetics (formerly Invitae), Labcorp
Classification: Likely benign for Hereditary nonpolyposis colorectal neoplasms. Last evaluated: 2024-07-22. Review status: criteria provided, single submitter. Criteria: Invitae Variant Classification Sherloc (09022015). Collection method: clinical testing. Allele origin: germline.

Ambry Genetics
Classification: Likely benign for Hereditary cancer-predisposing syndrome. Last evaluated: 2022-12-16. Review status: criteria provided, single submitter. Criteria: Ambry Variant Classification Scheme 2023. Collection method: clinical testing. Allele origin: germline.